The following is an entry in ClinVar:

NM_000018.4(ACADVL):c.138+2dup

Genes: ACADVL (acyl-CoA dehydrogenase very long chain; plus strand), LOC130060113 (ATAC-STARR-seq lymphoblastoid silent region 8088; plus strand). Cytogenetic location: 17p13.1.
Variant type: Duplication.
Coding change: c.138+2dup on transcript NM_000018.4 (MANE Select); the canonical splice donor site of the intron after coding-DNA position 138, one base duplicated (T; older notation c.138+2dupT).
Molecular consequence: splice donor variant.
Genome position (GRCh38, 1-based): chr17:7,220,199, T duplicated. VCF-style (leftmost placement, unchanged base first): chr17-7220198-G-GT. GRCh37 (hg19) VCF-style: chr17-7123517-G-GT.
Other names: c.207+2dup (NM_001270447.2); c.-91+2dup (NM_001270448.2); c.138+2dup (NM_001033859.3); c.138+2dupT (NM_000018.3, NM_000018.4).
Identifiers: ClinVar variation 449935 (VCV000449935.11), dbSNP rs1555527548, ClinGen allele CA658658531.

ClinVar aggregate classification (germline): Uncertain significance. Review status: reviewed by expert panel (3 of 4 stars). 8 submissions from 8 submitters: Uncertain significance (1). 7 of the submissions do not count toward it. Last evaluated 2024-02-27.

Conditions:
Very long chain acyl-CoA dehydrogenase deficiency (ACADVLD). Also called: Very Long-Chain Acyl-Coenzyme A Dehydrogenase Deficiency; VLCAD Deficiency. Identifiers: Orphanet 26793, MedGen C3887523, MONDO:0008723, OMIM 201475.

Submissions (8):

ClinGen ACADVL Variant Curation Expert Panel, ClinGen
Classification: Uncertain significance for Very long chain acyl-CoA dehydrogenase deficiency. Last evaluated: 2024-02-27. Review status: reviewed by expert panel. Criteria: clingen acadvl acmg specifications v1. Collection method: curation. Allele origin: germline. Inheritance: Autosomal recessive inheritance.
Comment: The c.138+2dup (NM_000018.4) variant in ACADVL is an intronic variant which is located in intron 2 close to a donor splice site. This variant is absent from GnomAD v2.1.1 (PM2_Supporting). The results from three in silico splicing predictors (SpliceSiteFinder, MaxEntScn, and SpliceAI [donor loss = 0.59]) indicate that this variant may affect splicing by disrupting the donor splice site of intron 2 of ACADVL (PP3). Due to limited evidence, this variant is classified as a variant of uncertain significance for autosomal recessive very long chain acyl-CoA dehydrogenase (VLCAD) deficiency based on the ACMG/AMP criteria applied, as specified by the ClinGen ACADVL Variant Curation Expert Panel: PM2_Supporting, PP3 (ACADVL VCEP specifications version 1; approved November 9, 2021).

Women's Health and Genetics/Laboratory Corporation of America, LabCorp
Classification: Uncertain significance. Last evaluated: 2025-09-04. Review status: criteria provided, single submitter. Criteria: LabCorp Variant Classification Summary - May 2015. Collection method: clinical testing. Allele origin: germline. Not counted in ClinVar's aggregate classification.
Comment: Variant summary: ACADVL c.138+2dupT alters a nucleotide located close to a canonical splice site and therefore could affect mRNA splicing, leading to a significantly altered protein sequence. Several computational tools predict a significant impact on normal splicing: one predicts the variant abolishes the 5' splicing donor site, while three predict the variant weakens the 5' donor site. However, these predictions have yet to be confirmed by functional studies. The variant allele was found at a frequency of 1.3e-06 in 1526708 control chromosomes (gnomAD v4.1). The available data on variant occurrences in the general population are insufficient to allow any conclusion about variant significance. c.138+2dupT has been listed among the VUS variants found in a newborn screening (NBS) study, however no further information on the variant was provided (Miller_2015). These report(s) do not provide unequivocal conclusions about association of the variant with Very Long Chain Acyl-CoA Dehydrogenase Deficiency. To our knowledge, no experimental evidence demonstrating an impact on protein function has been reported. The following publication has been ascertained in the context of this evaluation (PMID: 26385305). ClinVar contains an entry for this variant (Variation ID: 449935). Based on the evidence outlined above, the variant was classified as uncertain significance.

ARUP Laboratories, Molecular Genetics and Genomics, ARUP Laboratories
Classification: Uncertain significance for Very long chain acyl-CoA dehydrogenase deficiency. Last evaluated: 2024-12-26. Review status: criteria provided, single submitter. Criteria: ARUP Molecular Germline Variant Investigation Process 2024. Collection method: clinical testing. Allele origin: germline. Not counted in ClinVar's aggregate classification.
Comment: The ACADVL c.138+2dup variant (rs1555527548), to our knowledge, is not reported in the medical literature but is reported in ClinVar (Variation ID: 449935). This variant is absent from the Genome Aggregation Database (v2.1.1), indicating it is not a common polymorphism. This is an intronic variant and computational analyses (Alamut Visual Plus v.1.5.1) predict that this variant may impact splicing by weakening the nearby canonical donor splice site. However, given the lack of clinical and functional data, the significance of this variant is uncertain at this time.

Labcorp Genetics (formerly Invitae), Labcorp
Classification: Uncertain significance for Very long chain acyl-CoA dehydrogenase deficiency. Last evaluated: 2022-03-19. Review status: criteria provided, single submitter. Criteria: Invitae Variant Classification Sherloc (09022015). Collection method: clinical testing. Allele origin: germline. Not counted in ClinVar's aggregate classification.
Comment: This sequence change falls in intron 2 of the ACADVL gene. It does not directly change the encoded amino acid sequence of the ACADVL protein. It affects a nucleotide within the consensus splice site. This variant is not present in population databases (gnomAD no frequency). This variant has not been reported in the literature in individuals affected with ACADVL-related conditions. ClinVar contains an entry for this variant (Variation ID: 449935). Variants that disrupt the consensus splice site are a relatively common cause of aberrant splicing (PMID: 17576681, 9536098). Algorithms developed to predict the effect of sequence changes on RNA splicing suggest that this variant may disrupt the consensus splice site. In summary, the available evidence is currently insufficient to determine the role of this variant in disease. Therefore, it has been classified as a Variant of Uncertain Significance.

Wong Mito Lab, Molecular and Human Genetics, Baylor College of Medicine
Classification: Pathogenic for Very long chain acyl-CoA dehydrogenase deficiency. Last evaluated: 2019-11-01. Review status: criteria provided, single submitter. Criteria: ACMG Guidelines, 2015. Collection method: clinical testing. Allele origin: germline. Not counted in ClinVar's aggregate classification.
Comment: The NM_000018.3:c.138+2dupT (NP_000009.1:p.?) [GRCH38: NC_000017.11:g.7220199dupT] variant in ACADVL gene is interpretated to be Pathogenic based on ACMG guidelines (PMID: 25741868). This variant has been reported. This variant meets the following evidence codes reported in the ACMG guidelines: PVS1, PS3

GeneDx
Classification: Likely pathogenic. Last evaluated: 2017-05-02. Review status: criteria provided, single submitter. Criteria: GeneDx Variant Classification (06012015). Collection method: clinical testing. Allele origin: germline. Affected: yes. Not counted in ClinVar's aggregate classification.
Comment: The c.138+2dupT variant has not been published as a pathogenic variant, nor has it been reported as a benign variant to our knowledge. Adequate data is not available in large population cohorts to assess the frequency of this variant in publicly available databases. The c.138+2dupT splice site variant is expected to destroy the canonical splice donor site in intron 2. It is predicted to cause abnormal gene splicing, either leading to an abnormal message that is subject to nonsense-mediated mRNA decay, or to an abnormal protein product if the message is used for protein translation. In summary, we interpret this variant as likely pathogenic.

Natera, Inc.
Classification: Likely pathogenic for Very long chain acyl-CoA dehydrogenase deficiency. Last evaluated: 2020-09-16. Review status: no assertion criteria provided. Collection method: clinical testing. Allele origin: germline. Not counted in ClinVar's aggregate classification.

Counsyl
Classification: Uncertain significance for Very long chain acyl-CoA dehydrogenase deficiency. Last evaluated: 2017-04-24. Review status: no assertion criteria provided. Collection method: clinical testing. Allele origin: unknown. Not counted in ClinVar's aggregate classification.

Literature cited by the submitters: PubMed 26385305 (cited by Women's Health and Genetics/Laboratory Corporation of America, LabCorp); PubMed 17576681 (cited by Labcorp Genetics (formerly Invitae), Labcorp); PubMed 9536098 (cited by Labcorp Genetics (formerly Invitae), Labcorp).